The following is an entry in ClinVar:

NM_000419.5(ITGA2B):c.2077G>A (p.Ala693Thr)

Gene: ITGA2B (integrin subunit alpha 2b; minus strand). Cytogenetic location: 17q21.31.
Variant type: single nucleotide variant.
Coding change: c.2077G>A on transcript NM_000419.5 (MANE Select); coding-DNA position 2077, G replaced by A.
Protein change: p.Ala693Thr; replaces alanine 693 with threonine.
Molecular consequence: missense variant.
Genome position (GRCh38, 1-based): chr17:44,378,379, C>T on the plus strand (G>A on the coding strand, the complement: ITGA2B is on the minus strand). VCF-style: chr17-44378379-C-T. GRCh37 (hg19) VCF-style: chr17-42455747-C-T.
Other names: short protein forms A693T.
Identifiers: ClinVar variation 2054231 (VCV002054231.6), dbSNP rs760797257, ClinGen allele CA8602843.

ClinVar aggregate classification (germline): Uncertain significance. Review status: criteria provided, multiple submitters, no conflicts (2 of 4 stars). 2 submissions from 2 submitters: Uncertain significance (2). Last evaluated 2025-04-25.

Conditions:
Glanzmann thrombasthenia. Also called: THROMBASTHENIA OF GLANZMANN AND NAEGELI; Thrombasthenia; PLATELET GLYCOPROTEIN IIb-IIIa DEFICIENCY; Glanzmann's thrombasthenia. Identifiers: Orphanet 849, MedGen C0040015, MONDO:0100326.
Autosomal dominant macrothrombocytopenia. Identifiers: Orphanet 140957, MedGen C4304021, MONDO:0015372.
Inborn genetic diseases. Identifiers: MedGen C0950123, MeSH D030342.

Allele frequency attached by ClinVar (database versions not stated): ExAC 0.00001; gnomAD 0.00001; TOPMed 0.00001; gnomAD exomes 0.00005.
gnomAD v4.1: 71 of 1,612,000 alleles (0.0044%); highest among the groups gnomAD compares: Non-Finnish European, 0.0057%; no homozygotes.

Submissions (2):

Ambry Genetics
Classification: Uncertain significance for Inborn genetic diseases. Last evaluated: 2025-04-25. Review status: criteria provided, single submitter. Criteria: Ambry Variant Classification Scheme 2023. Collection method: clinical testing. Allele origin: germline.

Labcorp Genetics (formerly Invitae), Labcorp
Classification: Uncertain significance for Glanzmann thrombasthenia. Last evaluated: 2022-09-27. Review status: criteria provided, single submitter. Criteria: Invitae Variant Classification Sherloc (09022015). Collection method: clinical testing. Allele origin: germline.
Comment: In summary, the available evidence is currently insufficient to determine the role of this variant in disease. Therefore, it has been classified as a Variant of Uncertain Significance. Advanced modeling of protein sequence and biophysical properties (such as structural, functional, and spatial information, amino acid conservation, physicochemical variation, residue mobility, and thermodynamic stability) performed at Invitae indicates that this missense variant is not expected to disrupt ITGA2B protein function. This variant has not been reported in the literature in individuals affected with ITGA2B-related conditions. This variant is present in population databases (rs760797257, gnomAD 0.002%). This sequence change replaces alanine, which is neutral and non-polar, with threonine, which is neutral and polar, at codon 693 of the ITGA2B protein (p.Ala693Thr).